The following is an entry in ClinVar:

NM_004281.4(BAG3):c.1709G>A (p.Gly570Asp)

Gene: BAG3 (BAG cochaperone 3; plus strand). Cytogenetic location: 10q26.11.
Variant type: single nucleotide variant.
Coding change: c.1709G>A on transcript NM_004281.4 (MANE Select); coding-DNA position 1709, G replaced by A.
Protein change: p.Gly570Asp; replaces glycine 570 with aspartic acid.
Molecular consequence: missense variant.
Genome position (GRCh38, 1-based): chr10:119,677,263, G>A. VCF-style: chr10-119677263-G-A. GRCh37 (hg19) VCF-style: chr10-121436775-G-A.
Other names: short protein forms G570D.
Identifiers: ClinVar variation 2128349 (VCV002128349.6), dbSNP rs1847254383, ClinGen allele CA378297905.
Genomic context (GRCh38, chr10:119,677,263, plus strand): 5'-AGCAGCCAGAAGCCACAGCAGCAGCGACTTCAAACCCCAGCAGCATGACAGACACCCCTG[G>A]TAACCCAGCAGCACCGTAGCCTCTGCCCTGTAAAAATCAGACTCGGAACCGATGTGTGCT-3'
Protein context (NP_004272.2, residues 560-575): SNPSSMTDTP[Gly570Asp]NPAAP

ClinVar aggregate classification (germline): Uncertain significance. Review status: criteria provided, multiple submitters, no conflicts (2 of 4 stars). 2 submissions from 2 submitters: Uncertain significance (2). Last evaluated 2024-11-21.

Conditions:
Dilated cardiomyopathy 1HH (CMD1HH). Identifiers: Orphanet 154, MedGen C3151293, MONDO:0013479, OMIM 613881.
Myofibrillar myopathy 6. Identifiers: Orphanet 199340, MedGen C2751831, MONDO:0013061, OMIM 612954.
Cardiovascular phenotype. Identifiers: MedGen CN230736.

Allele frequency attached by ClinVar (database versions not stated): gnomAD exomes below 0.00001; TOPMed below 0.00001.
gnomAD v4.1: 1 of 1,614,052 alleles (0.000062%); highest among the groups gnomAD compares: Non-Finnish European, 0.000085%; no homozygotes.

Submissions (2):

Labcorp Genetics (formerly Invitae), Labcorp
Classification: Uncertain significance for Dilated cardiomyopathy 1HH; Myofibrillar myopathy 6. Last evaluated: 2024-11-21. Review status: criteria provided, single submitter. Criteria: Invitae Variant Classification Sherloc (09022015). Collection method: clinical testing. Allele origin: germline.
Comment: This sequence change replaces glycine, which is neutral and non-polar, with aspartic acid, which is acidic and polar, at codon 570 of the BAG3 protein (p.Gly570Asp). This variant is not present in population databases (gnomAD no frequency). This variant has not been reported in the literature in individuals affected with BAG3-related conditions. ClinVar contains an entry for this variant (Variation ID: 2128349). Experimental studies and prediction algorithms are not available or were not evaluated, and the functional significance of this variant is currently unknown. In summary, the available evidence is currently insufficient to determine the role of this variant in disease. Therefore, it has been classified as a Variant of Uncertain Significance.

Ambry Genetics
Classification: Uncertain significance for Cardiovascular phenotype. Last evaluated: 2023-01-16. Review status: criteria provided, single submitter. Criteria: Ambry Variant Classification Scheme 2023. Collection method: clinical testing. Allele origin: germline.
Comment: The p.G570D variant (also known as c.1709G>A), located in coding exon 4 of the BAG3 gene, results from a G to A substitution at nucleotide position 1709. The glycine at codon 570 is replaced by aspartic acid, an amino acid with similar properties. This amino acid position is conserved. In addition, this alteration is predicted to be tolerated by in silico analysis. Since supporting evidence is limited at this time, the clinical significance of this alteration remains unclear.